The following is an entry in ClinVar:

ClinVar aggregate classification (germline): Uncertain significance. Review status: criteria provided, multiple submitters, no conflicts (2 of 4 stars). 5 submissions from 5 submitters: Uncertain significance (5). Last evaluated 2026-01-02.

Conditions:
Epilepsy, idiopathic generalized, susceptibility to, 18. Identifiers: MedGen C5561983, MONDO:0030434, OMIM 619521.
Brugada syndrome 8 (BRGDA8). Identifiers: Orphanet 130, MedGen C2751083, MONDO:0013148, OMIM 613123.
Sick sinus syndrome 2, autosomal dominant (SSS2). Also called: SICK SINUS SYNDROME 2 WITH OR WITHOUT CARDIAC NONCOMPACTION AND/OR ASCENDING AORTA DILATION; ATRIAL FIBRILLATION WITH BRADYARRHYTHMIA; SINUS BRADYCARDIA SYNDROME, FAMILIAL, AUTOSOMAL DOMINANT; SINUS NODE DISEASE, FAMILIAL, AUTOSOMAL DOMINANT; SICK SINUS SYNDROME 2. Identifiers: Orphanet 166282, MedGen C1834144, MONDO:0008102, OMIM 163800.
Cardiovascular phenotype. Identifiers: MedGen CN230736.

Allele frequency attached by ClinVar (database versions not stated): gnomAD 0.00001; TOPMed 0.00002.
gnomAD v4.1: 13 of 1,547,268 alleles (0.00084%); highest among the groups gnomAD compares: Admixed American, 0.024%; no homozygotes.

Submissions (5):

Labcorp Genetics (formerly Invitae), Labcorp
Classification: Uncertain significance for Brugada syndrome 8. Last evaluated: 2026-01-02. Review status: criteria provided, single submitter. Criteria: Invitae Variant Classification Sherloc (09022015). Collection method: clinical testing. Allele origin: germline.
Comment: This sequence change replaces alanine, which is neutral and non-polar, with serine, which is neutral and polar, at codon 1010 of the HCN4 protein (p.Ala1010Ser). This variant is present in population databases (no rsID available, gnomAD 0.03%). This variant has not been reported in the literature in individuals affected with HCN4-related conditions. ClinVar contains an entry for this variant (Variation ID: 582329). Invitae Evidence Modeling of protein sequence and biophysical properties (such as structural, functional, and spatial information, amino acid conservation, physicochemical variation, residue mobility, and thermodynamic stability) indicates that this missense variant is not expected to disrupt HCN4 protein function with a negative predictive value of 95%. In summary, the available evidence is currently insufficient to determine the role of this variant in disease. Therefore, it has been classified as a Variant of Uncertain Significance.

Ambry Genetics
Classification: Uncertain significance for Cardiovascular phenotype. Last evaluated: 2025-12-04. Review status: criteria provided, single submitter. Criteria: Ambry Variant Classification Scheme 2023. Collection method: clinical testing. Allele origin: germline.

ARUP Laboratories, Molecular Genetics and Genomics, ARUP Laboratories
Classification: Uncertain significance. Last evaluated: 2024-09-12. Review status: criteria provided, single submitter. Criteria: ARUP Molecular Germline Variant Investigation Process 2024. Collection method: clinical testing. Allele origin: germline.
Comment: The HCN4 c.3028G>T; p.Ala1010Ser variant (rs748634893), to our knowledge, is not reported in the medical literature but is reported in ClinVar (Variation ID: 582329). This variant is found in the Latino population with an allele frequency of 0.03% (8/24,930 alleles) in the Genome Aggregation Database (v2.1.1). Computational analyses are uncertain whether this variant is neutral or deleterious (REVEL: 0.177). Due to limited information, the clinical significance of this variant is uncertain at this time.

Fulgent Genetics
Classification: Uncertain significance for Sick sinus syndrome 2, autosomal dominant; Brugada syndrome 8; Epilepsy, idiopathic generalized, susceptibility to, 18. Last evaluated: 2021-12-22. Review status: criteria provided, single submitter. Criteria: ACMG Guidelines, 2015. Collection method: clinical testing. Allele origin: unknown.

GeneDx
Classification: Uncertain significance. Last evaluated: 2020-07-30. Review status: criteria provided, single submitter. Criteria: GeneDx Variant Classification Process June 2021. Collection method: clinical testing. Allele origin: germline. Affected: yes.
Comment: Has not been previously published as pathogenic or benign to our knowledge; Reported in ClinVar as a variant of uncertain significance (ClinVar Variant ID# 582329; Landrum et al., 2016); In silico analysis supports that this missense variant does not alter protein structure/function

NM_005477.3(HCN4):c.3028G>T (p.Ala1010Ser)

Gene: HCN4 (hyperpolarization activated cyclic nucleotide gated potassium channel 4; minus strand). Cytogenetic location: 15q24.1.
Variant type: single nucleotide variant.
Coding change: c.3028G>T on transcript NM_005477.3 (MANE Select); coding-DNA position 3028, G replaced by T.
Protein change: p.Ala1010Ser; replaces alanine 1010 with serine.
Molecular consequence: missense variant.
Genome position (GRCh38, 1-based): chr15:73,323,065, C>A on the plus strand (G>T on the coding strand, the complement: HCN4 is on the minus strand). VCF-style: chr15-73323065-C-A. GRCh37 (hg19) VCF-style: chr15-73615406-C-A.
Other names: short protein forms A1010S.
Identifiers: ClinVar variation 582329 (VCV000582329.15), dbSNP rs748634893, ClinGen allele CA393086402.